The following is an entry in ClinVar:

ClinVar aggregate classification (germline): Pathogenic. Review status: criteria provided, multiple submitters, no conflicts (2 of 4 stars). 4 submissions from 4 submitters: Pathogenic (3). 1 of the submissions does not count toward it. Last evaluated 2024-09-25.

Conditions:
Cardiomyopathy (CMYO). Also called: Cardiomyopathies. Identifiers: Orphanet 167848, MedGen C0878544, MONDO:0004994, HP:0001638. Inheritance: Various modes of inheritance.
Becker muscular dystrophy (BMD). Also called: MUSCULAR DYSTROPHY, PSEUDOHYPERTROPHIC PROGRESSIVE, BECKER TYPE; Becker Muscular Dystrophy (BMD). Identifiers: Orphanet 98895, MedGen C0917713, MONDO:0010311, OMIM 300376.
Duchenne muscular dystrophy (DMD). Also called: Duchenne Muscular Dystrophy (DMD); MUSCULAR DYSTROPHY, PSEUDOHYPERTROPHIC PROGRESSIVE, DUCHENNE TYPE. Identifiers: Orphanet 98896, MedGen C0013264, MONDO:0010679, OMIM 310200.
Dystrophin deficiency.

Submissions (4):

Revvity Omics, Revvity
Classification: Pathogenic. Last evaluated: 2024-09-25. Review status: criteria provided, single submitter. Criteria: ACMG Guidelines, 2015. Collection method: clinical testing. Allele origin: germline.

Labcorp Genetics (formerly Invitae), Labcorp
Classification: Pathogenic for Duchenne muscular dystrophy. Last evaluated: 2022-07-04. Review status: criteria provided, single submitter. Criteria: Invitae Variant Classification Sherloc (09022015). Collection method: clinical testing. Allele origin: germline.
Comment: This sequence change creates a premature translational stop signal (p.Gln1087*) in the DMD gene. It is expected to result in an absent or disrupted protein product. Loss-of-function variants in DMD are known to be pathogenic (PMID: 16770791, 25007885). This variant is not present in population databases (gnomAD no frequency). For these reasons, this variant has been classified as Pathogenic. ClinVar contains an entry for this variant (Variation ID: 265414). This premature translational stop signal has been observed in individuals with Duchenne muscular dystrophy (PMID: 7849724, 31081998).

GeneDx
Classification: Pathogenic. Last evaluated: 2017-09-01. Review status: criteria provided, single submitter. Criteria: GeneDx Variant Classification (06012015). Collection method: clinical testing. Allele origin: germline. Affected: yes.
Comment: The Q1087X nonsense variant in the DMD gene has been reported previously in association with dystrophinopathy, most often with Duchenne muscular dystrophy (Nigro et al., 1994; Torella et al., 2010; Aartsma-Rus et al., 2006). This pathogenic variant is predicted to cause loss of normal protein function either through protein truncation or nonsense-mediated mRNA decay. Furthermore, the Q1087X pathogenic variant was not observed in approximately 6,500 individuals of European and African American ancestry in the NHLBI Exome Sequencing Project, indicating it is not a common benign variant in these populations.

Natera, Inc.
Classification: Pathogenic for Becker muscular dystrophy; Cardiomyopathy; Duchenne muscular dystrophy; Dystrophin deficiency. Last evaluated: 2021-07-30. Review status: no assertion criteria provided. Collection method: clinical testing. Allele origin: germline. Not counted in ClinVar's aggregate classification.

Literature cited by the submitters: PubMed 16770791 (cited by Labcorp Genetics (formerly Invitae), Labcorp); PubMed 25007885 (cited by Labcorp Genetics (formerly Invitae), Labcorp); PubMed 7849724 (cited by Labcorp Genetics (formerly Invitae), Labcorp); PubMed 31081998 (cited by Labcorp Genetics (formerly Invitae), Labcorp).

NM_004006.3(DMD):c.3259C>T (p.Gln1087Ter)

Gene: DMD (dystrophin; minus strand). Cytogenetic location: Xp21.1.
Variant type: single nucleotide variant.
Coding change: c.3259C>T on transcript NM_004006.3 (MANE Select); coding-DNA position 3259, C replaced by T.
Protein change: p.Gln1087Ter; replaces glutamine 1087 with a stop codon.
Molecular consequence: nonsense.
Genome position (GRCh38, 1-based): chrX:32,464,603, G>A on the plus strand (C>T on the coding strand, the complement: DMD is on the minus strand). VCF-style: chrX-32464603-G-A. GRCh37 (hg19) VCF-style: chrX-32482720-G-A.
Other names: c.3235C>T, p.Gln1079Ter (NM_000109.4); c.3247C>T, p.Gln1083Ter (NM_004009.3); c.2890C>T, p.Gln964Ter (NM_004010.3); short protein forms Q1087*, Q1079*, Q1083*, Q964*.
Identifiers: ClinVar variation 265414 (VCV000265414.12), dbSNP rs886039536, ClinGen allele CA10588771.